The following is an entry in ClinVar:

NM_030665.4(RAI1):c.4663G>A (p.Gly1555Arg)

Gene: RAI1 (retinoic acid induced 1; plus strand). Cytogenetic location: 17p11.2.
Variant type: single nucleotide variant.
Coding change: c.4663G>A on transcript NM_030665.4 (MANE Select); coding-DNA position 4663, G replaced by A.
Protein change: p.Gly1555Arg; replaces glycine 1555 with arginine.
Molecular consequence: missense variant.
Genome position (GRCh38, 1-based): chr17:17,797,611, G>A. VCF-style: chr17-17797611-G-A. GRCh37 (hg19) VCF-style: chr17-17700925-G-A.
Other names: short protein forms G1555R.
Identifiers: ClinVar variation 4743587 (VCV004743587.1).

ClinVar aggregate classification (germline): Uncertain significance (1 of 4 stars; one submission).

Submission:

Labcorp Genetics (formerly Invitae), Labcorp
Classification: Uncertain significance. Last evaluated: 2025-04-01. Review status: criteria provided, single submitter. Criteria: Invitae Variant Classification Sherloc (09022015). Collection method: clinical testing. Allele origin: germline.
Comment: This sequence change replaces glycine, which is neutral and non-polar, with arginine, which is basic and polar, at codon 1555 of the RAI1 protein (p.Gly1555Arg). This variant is not present in population databases (gnomAD no frequency). This variant has not been reported in the literature in individuals affected with RAI1-related conditions. Invitae Evidence Modeling of protein sequence and biophysical properties (such as structural, functional, and spatial information, amino acid conservation, physicochemical variation, residue mobility, and thermodynamic stability) indicates that this missense variant is not expected to disrupt RAI1 protein function with a negative predictive value of 80%. In summary, the available evidence is currently insufficient to determine the role of this variant in disease. Therefore, it has been classified as a Variant of Uncertain Significance.